The following is an entry in ClinVar:

ClinVar aggregate classification (germline): Uncertain significance (1 of 4 stars; one submission).

Conditions:
Cardiovascular phenotype. Identifiers: MedGen CN230736.

Submission:

Ambry Genetics
Classification: Uncertain significance for Cardiovascular phenotype. Last evaluated: 2025-03-31. Review status: criteria provided, single submitter. Criteria: Ambry Variant Classification Scheme 2023. Collection method: clinical testing. Allele origin: germline.
Comment: The p.L122M variant (also known as c.364C>A), located in coding exon 2 of the JUP gene, results from a C to A substitution at nucleotide position 364. The leucine at codon 122 is replaced by methionine, an amino acid with highly similar properties. This amino acid position is conserved. In addition, this alteration is predicted to be tolerated by in silico analysis. Based on the available evidence, the clinical significance of this variant remains unclear.

NM_002230.4(JUP):c.364C>A (p.Leu122Met)

Gene: JUP (junction plakoglobin; minus strand). Cytogenetic location: 17q21.2.
Variant type: single nucleotide variant.
Coding change: c.364C>A on transcript NM_002230.4 (MANE Select); coding-DNA position 364, C replaced by A.
Protein change: p.Leu122Met; replaces leucine 122 with methionine.
Molecular consequence: missense variant.
Genome position (GRCh38, 1-based): chr17:41,769,522, G>T on the plus strand (C>A on the coding strand, the complement: JUP is on the minus strand). VCF-style: chr17-41769522-G-T. GRCh37 (hg19) VCF-style: chr17-39925774-G-T.
Other names: c.364C>A, p.Leu122Met (NM_001352773.2, NM_001352774.2, NM_001352775.2 and 3 more transcripts); short protein forms L122M.
Identifiers: ClinVar variation 4040982 (VCV004040982.1).